The following is an entry in ClinVar:

NM_000550.3(TYRP1):c.1268C>G (p.Ser423Cys)

Genes: LURAP1L-AS1 (LURAP1L antisense RNA 1; minus strand), TYRP1 (tyrosinase related protein 1; plus strand). Cytogenetic location: 9p23.
Variant type: single nucleotide variant.
Coding change: c.1268C>G on transcript NM_000550.3 (MANE Select); coding-DNA position 1268, C replaced by G.
Protein change: p.Ser423Cys; replaces serine 423 with cysteine.
Molecular consequence: missense variant.
Genome position (GRCh38, 1-based): chr9:12,708,003, C>G. VCF-style: chr9-12708003-C-G. GRCh37 (hg19) VCF-style: chr9-12708003-C-G.
Other names: short protein forms S423C.
Identifiers: ClinVar variation 1713389 (VCV001713389.5), dbSNP rs915159834, ClinGen allele CA372943672.
Genomic context (GRCh38, chr9:12,708,003, plus strand): 5'-TAGGAATATTAATTTTATTATGTTTATTAATACGTTGTCTTTGGAATAATTTAGATATAT[C>G]CACATTTCCATTGGAAAATGCCCCTATTGGACATAATAGACAATACAACATGGTGCCATT-3'
Protein context (NP_000541.1, residues 413-433): EWLRRYNADI[Ser423Cys]TFPLENAPIG

ClinVar aggregate classification (germline): Uncertain significance (1 of 4 stars; one submission).

gnomAD v4.1: 1 of 1,610,932 alleles (0.000062%); no homozygotes.

Submission:

Labcorp Genetics (formerly Invitae), Labcorp
Classification: Uncertain significance. Last evaluated: 2022-07-14. Review status: criteria provided, single submitter. Criteria: Invitae Variant Classification Sherloc (09022015). Collection method: clinical testing. Allele origin: germline.
Comment: This sequence change replaces serine, which is neutral and polar, with cysteine, which is neutral and slightly polar, at codon 423 of the TYRP1 protein (p.Ser423Cys). This variant is not present in population databases (gnomAD no frequency). This variant has not been reported in the literature in individuals affected with TYRP1-related conditions. Algorithms developed to predict the effect of missense changes on protein structure and function are either unavailable or do not agree on the potential impact of this missense change (SIFT: "Deleterious"; PolyPhen-2: "Possibly Damaging"; Align-GVGD: "Class C15"). In summary, the available evidence is currently insufficient to determine the role of this variant in disease. Therefore, it has been classified as a Variant of Uncertain Significance.